The following is an entry in ClinVar:

ClinVar aggregate classification (germline): Uncertain significance. Review status: criteria provided, multiple submitters, no conflicts (2 of 4 stars). 2 submissions from 2 submitters: Uncertain significance (2). Last evaluated 2026-05-30.

Conditions:
Hereditary cancer-predisposing syndrome. Also called: Tumor predisposition; Hereditary neoplastic syndrome; Neoplastic Syndromes, Hereditary; Hereditary Cancer Syndrome. Identifiers: Orphanet 140162, MedGen C0027672, MeSH D009386, MONDO:0015356.
Microcephaly, normal intelligence and immunodeficiency (NBS). Also called: Ataxia telangiectasia variant V1; IMMUNODEFICIENCY, MICROCEPHALY, AND CHROMOSOMAL INSTABILITY; SEEMANOVA SYNDROME II; Nijmegen breakage syndrome; Microcephaly with normal intelligence immunodeficiency and lymphoreticular malignancies; Nonsyndromal microcephaly autosomal recessive with normal intelligence. Identifiers: Orphanet 647, MedGen C0398791, MONDO:0009623, OMIM 251260.

Allele frequency attached by ClinVar (database versions not stated): gnomAD 0.00001.

Submissions (2):

Ambry Genetics
Classification: Uncertain significance for Hereditary cancer-predisposing syndrome. Last evaluated: 2026-05-30. Review status: criteria provided, single submitter. Criteria: Ambry Variant Classification Scheme 2023. Collection method: clinical testing. Allele origin: germline.
Comment: The p.N548H variant (also known as c.1642A>C), located in coding exon 11 of the NBN gene, results from an A to C substitution at nucleotide position 1642. The asparagine at codon 548 is replaced by histidine, an amino acid with similar properties. This amino acid position is conserved. In addition, this alteration is predicted to be tolerated by in silico analysis. Based on the available evidence, the clinical significance of this variant remains unclear.

Labcorp Genetics (formerly Invitae), Labcorp
Classification: Uncertain significance for Microcephaly, normal intelligence and immunodeficiency. Last evaluated: 2023-11-10. Review status: criteria provided, single submitter. Criteria: Invitae Variant Classification Sherloc (09022015). Collection method: clinical testing. Allele origin: germline.
Comment: This sequence change replaces asparagine, which is neutral and polar, with histidine, which is basic and polar, at codon 548 of the NBN protein (p.Asn548His). This variant is not present in population databases (gnomAD no frequency). This variant has not been reported in the literature in individuals affected with NBN-related conditions. ClinVar contains an entry for this variant (Variation ID: 530727). An algorithm developed to predict the effect of missense changes on protein structure and function (PolyPhen-2) suggests that this variant is likely to be tolerated. In summary, the available evidence is currently insufficient to determine the role of this variant in disease. Therefore, it has been classified as a Variant of Uncertain Significance.

NM_002485.5(NBN):c.1642A>C (p.Asn548His)

Gene: NBN (nibrin; minus strand). Cytogenetic location: 8q21.3.
Variant type: single nucleotide variant.
Coding change: c.1642A>C on transcript NM_002485.5 (MANE Select); coding-DNA position 1642, A replaced by C.
Protein change: p.Asn548His; replaces asparagine 548 with histidine.
Molecular consequence: missense variant.
Genome position (GRCh38, 1-based): chr8:89,953,447, T>G on the plus strand (A>C on the coding strand, the complement: NBN is on the minus strand). VCF-style: chr8-89953447-T-G. GRCh37 (hg19) VCF-style: chr8-90965675-T-G.
Other names: c.1396A>C, p.Asn466His (NM_001024688.3); short protein forms N548H, N466H.
Identifiers: ClinVar variation 530727 (VCV000530727.9), dbSNP rs772234785, ClinGen allele CA371655421.
Genomic context (GRCh38, chr8:89,953,447, plus strand): 5'-TGAATAACTGTTCCAATACTTCATCTTCTATGGCCACATCATCCATTTCCCTTTTTTTAT[T>G]TGATCTTAGCTTTTCTGCAGCATGAGATTTACTGGCAGAATTTTTCACAATAGATTTTAA-3'
Protein context (NP_002476.2, residues 538-558): KSHAAEKLRS[Asn548His]KKREMDDVAI